The following is an entry in ClinVar:

NM_020791.4(TAOK1):c.205-2A>G

Gene: TAOK1 (TAO kinase 1; plus strand). Cytogenetic location: 17q11.2.
Variant type: single nucleotide variant.
Coding change: c.205-2A>G on transcript NM_020791.4 (MANE Select); the canonical splice acceptor site of the intron before coding-DNA position 205, A replaced by G.
Molecular consequence: splice acceptor variant.
Genome position (GRCh38, 1-based): chr17:29,475,668, A>G. VCF-style: chr17-29475668-A-G. GRCh37 (hg19) VCF-style: chr17-27802686-A-G.
Other names: c.205-2A>G (NM_025142.1).
Identifiers: ClinVar variation 3236818 (VCV003236818.1), dbSNP rs2508195100.
Genomic context (GRCh38, chr17:29,475,668, plus strand): 5'-TCTTATATAACTTTCTGAGGAAAAGTCCTGTTCATAATTCTTTACCTTTTTTCTCCCCAC[A>G]GAAATGGCAGGATATTATTAAGGAAGTCAAGTTTCTACAAAGAATAAAACATCCCAACAG-3'

ClinVar aggregate classification (germline): Likely pathogenic (1 of 4 stars; one submission).

Conditions:
Developmental delay with or without intellectual impairment or behavioral abnormalities. Identifiers: MedGen C5562004, MONDO:0859199, OMIM 619575.

Submission:

MVZ Medizinische Genetik Mainz
Classification: Likely pathogenic for Developmental delay with or without intellectual impairment or behavioral abnormalities. Last evaluated: 2024-02-19. Review status: criteria provided, single submitter. Criteria: UK Practice Guidelines For Variant Classification V4 01 2020. Collection method: clinical testing. Allele origin: germline. Inheritance: Autosomal dominant inheritance. Affected: yes. Observed: 1 variant allele.
Comment: ACMG Criteria: PVS1_STR,PM1_SUP,PP2